The following is an entry in ClinVar:

ClinVar aggregate classification (germline): Uncertain significance (1 of 4 stars; one submission).

Allele frequency attached by ClinVar (database versions not stated): gnomAD exomes below 0.00001; ExAC 0.00001; gnomAD 0.00003; TOPMed 0.00003.
gnomAD v4.1: 10 of 1,613,994 alleles (0.00062%); highest among the groups gnomAD compares: Non-Finnish European, 0.00085%; no homozygotes.

Submission:

Labcorp Genetics (formerly Invitae), Labcorp
Classification: Uncertain significance. Last evaluated: 2025-05-12. Review status: criteria provided, single submitter. Criteria: Invitae Variant Classification Sherloc (09022015). Collection method: clinical testing. Allele origin: germline.
Comment: This sequence change replaces lysine, which is basic and polar, with glutamic acid, which is acidic and polar, at codon 415 of the PDSS1 protein (p.Lys415Glu). This variant is present in population databases (rs751585593, gnomAD 0.003%). This variant has not been reported in the literature in individuals affected with PDSS1-related conditions. ClinVar contains an entry for this variant (Variation ID: 1903375). An algorithm developed to predict the effect of missense changes on protein structure and function (PolyPhen-2) suggests that this variant is likely to be disruptive. In summary, the available evidence is currently insufficient to determine the role of this variant in disease. Therefore, it has been classified as a Variant of Uncertain Significance.

NM_014317.5(PDSS1):c.1243A>G (p.Lys415Glu)

Gene: PDSS1 (decaprenyl diphosphate synthase subunit 1; plus strand). Cytogenetic location: 10p12.1.
Variant type: single nucleotide variant.
Coding change: c.1243A>G on transcript NM_014317.5 (MANE Select); coding-DNA position 1243, A replaced by G.
Protein change: p.Lys415Glu; replaces lysine 415 with glutamic acid.
Molecular consequence: missense variant. On other transcripts: 3 prime UTR variant (1).
Genome position (GRCh38, 1-based): chr10:26,746,468, A>G. VCF-style: chr10-26746468-A-G. GRCh37 (hg19) VCF-style: chr10-27035397-A-G.
Other names: c.*131A>G (NM_001321978.2); c.733A>G, p.Lys245Glu (NM_001321979.2); short protein forms K245E, K415E.
Identifiers: ClinVar variation 1903375 (VCV001903375.4), dbSNP rs751585593, ClinGen allele CA5447175.